The following is an entry in ClinVar:

NM_005481.3(MED16):c.385dup (p.Asp129fs)

Gene: MED16 (mediator complex subunit 16; minus strand). Cytogenetic location: 19p13.3.
Variant type: Duplication.
Coding change: c.385dup on transcript NM_005481.3 (MANE Select); coding-DNA position 385, one base duplicated (G; older notation c.385dupG).
Protein change: p.Asp129fs; shifts the reading frame from aspartic acid 129.
Molecular consequence: frameshift variant.
Genome position (GRCh38, 1-based): chr19:889,700, C duplicated on the plus strand (G on the coding strand, the reverse complement: MED16 is on the minus strand); the first of 5 consecutive C bases (chr19:889,700-889,704); duplicating any one gives the same sequence. VCF-style (leftmost placement, unchanged base first): chr19-889699-T-TC. GRCh37 (hg19) VCF-style: chr19-889699-T-TC.
Other names: short protein forms D129fs.
Identifiers: ClinVar variation 3385328 (VCV003385328.2).

ClinVar aggregate classification (germline): Pathogenic (0 of 4 stars; one submission).

Conditions:
Syndromic intellectual disability. Also called: Intellectual disability syndrome. Identifiers: Orphanet 183763, MedGen C5680525, MONDO:0000508.

Submission:

Hunan Provincial Maternal and Child Health Care Hospital
Classification: Pathogenic for intellectual disability syndrome. Review status: no assertion criteria provided. Collection method: clinical testing. Allele origin: inherited. Inheritance: Autosomal recessive inheritance. Affected: yes. Observed: 1 compound heterozygote.
Comment: Compound heterozygosity variants(NM_005481.3, c.385dup & c.932T>C) in MED16 are identified from siblings with syndromic intellectual disability. The allele frequency of the p.(Asp129GlyfsTer288) variant is 3.42×10-6, while the missense p.(Leu311Pro) variant is absent from gnomAD (Karczewski et al., 2020), and the affected residue is evolutionarily conserved (Figures 2A). Multiple in silico prediction programs (see Methods) predict that this missense change has a pathogenic effect on MED16, including a Alphamissense pathogenecity score (Cheng et al., 2023) of 0.999. No other variants in known or other genes were retained as plausible candidates in the two sisters.